The following is an entry in ClinVar:

ClinVar aggregate classification (germline): Uncertain significance (1 of 4 stars; one submission).

Conditions:
Congenital factor V deficiency. Also called: LABILE FACTOR DEFICIENCY; OWREN PARAHEMOPHILIA; PARAHEMOPHILIA; Hereditary factor V deficiency disease. Identifiers: Orphanet 326, MedGen C0015499, MONDO:0009210, OMIM 227400.

gnomAD v4.1: 7 of 1,613,956 alleles (0.00043%); highest among the groups gnomAD compares: Non-Finnish European, 0.00059%; no homozygotes.

Submission:

Labcorp Genetics (formerly Invitae), Labcorp
Classification: Uncertain significance for Congenital factor V deficiency. Last evaluated: 2025-02-20. Review status: criteria provided, single submitter. Criteria: Invitae Variant Classification Sherloc (09022015). Collection method: clinical testing. Allele origin: germline.
Comment: This sequence change affects codon 1826 of the F5 mRNA. It is a 'silent' change, meaning that it does not change the encoded amino acid sequence of the F5 protein. This variant is present in population databases (no rsID available, gnomAD 0.002%). This variant has not been reported in the literature in individuals affected with F5-related conditions. Algorithms developed to predict the effect of sequence changes on RNA splicing suggest that this variant may disrupt the consensus splice site. In summary, the available evidence is currently insufficient to determine the role of this variant in disease. Therefore, it has been classified as a Variant of Uncertain Significance.

NM_000130.5(F5):c.5478G>A (p.Val1826=)

Gene: F5 (coagulation factor V; minus strand). Cytogenetic location: 1q24.2.
Variant type: single nucleotide variant.
Coding change: c.5478G>A on transcript NM_000130.5 (MANE Select); coding-DNA position 5478, G replaced by A.
Protein change: p.Val1826=; no amino-acid change (valine 1826 retained).
Molecular consequence: synonymous variant.
Genome position (GRCh38, 1-based): chr1:169,528,036, C>T on the plus strand (G>A on the coding strand, the complement: F5 is on the minus strand). VCF-style: chr1-169528036-C-T. GRCh37 (hg19) VCF-style: chr1-169497274-C-T.
Identifiers: ClinVar variation 4753068 (VCV004753068.1).